The following is an entry in ClinVar:

NM_001844.5(COL2A1):c.2530C>T (p.Gln844Ter)

Gene: COL2A1 (collagen type II alpha 1 chain; minus strand). Cytogenetic location: 12q13.11.
Variant type: single nucleotide variant.
Coding change: c.2530C>T on transcript NM_001844.5 (MANE Select); coding-DNA position 2530, C replaced by T.
Protein change: p.Gln844Ter; replaces glutamine 844 with a stop codon.
Molecular consequence: nonsense.
Genome position (GRCh38, 1-based): chr12:47,980,649, G>A on the plus strand (C>T on the coding strand, the complement: COL2A1 is on the minus strand). VCF-style: chr12-47980649-G-A. GRCh37 (hg19) VCF-style: chr12-48374432-G-A.
Other names: c.2323C>T, p.Gln775Ter (NM_033150.3); short protein forms Q844*, Q775*.
Identifiers: ClinVar variation 197065 (VCV000197065.10), dbSNP rs794727607, ClinGen allele CA302968.
Genomic context (GRCh38, chr12:47,980,649, plus strand): 5'-CAGGGGCACCAGCATCGCCTTTCTGGCCGGCCTCTCCTTGCTCACCCTTGGCCCCAGGCT[G>A]GCCATCAGCACCCTATAATGGGAAGGAGGAAGCAGGTGAATGAGGGGCAGGCTAAAACCC-3'

ClinVar aggregate classification (germline): Pathogenic/Likely pathogenic. Review status: criteria provided, multiple submitters, no conflicts (2 of 4 stars). 3 submissions from 3 submitters: Pathogenic (2); Likely pathogenic (1). Last evaluated 2025-03-13.

Conditions:
COL2A1-related disorder. Also called: COL2A1-related condition; COL2A1-related disorders.

Submissions (3):

PreventionGenetics, part of Exact Sciences
Classification: Likely pathogenic for COL2A1-related condition. Last evaluated: 2025-03-13. Review status: criteria provided, single submitter. Criteria: ACMG Guidelines, 2015. Collection method: clinical testing. Allele origin: germline.
Comment: The COL2A1 c.2530C>T variant is predicted to result in premature protein termination (p.Gln844*). To our knowledge, this variant has not been reported in the literature. This variant has not been reported in a large population database (gnomAD), indicating this variant is rare. Nonsense variants in COL2A1 are expected to be pathogenic. This variant is interpreted as likely pathogenic.

Revvity Omics, Revvity
Classification: Pathogenic. Last evaluated: 2019-05-09. Review status: criteria provided, single submitter. Criteria: ACMG Guidelines, 2015. Collection method: clinical testing. Allele origin: germline.

Eurofins Ntd Llc (ga)
Classification: Pathogenic. Last evaluated: 2015-01-28. Review status: criteria provided, single submitter. Criteria: EGL Classification Definitions 2015. Collection method: clinical testing. Allele origin: germline. Observed: 1 variant allele, 1 heterozygote.